The following is an entry in ClinVar:

ClinVar aggregate classification (germline): Uncertain significance (1 of 4 stars; one submission).

Submission:

GeneDx
Classification: Uncertain significance. Last evaluated: 2025-02-04. Review status: criteria provided, single submitter. Criteria: GeneDx Variant Classification Process June 2021. Collection method: clinical testing. Allele origin: germline. Affected: yes.
Comment: In-frame duplication of 1 amino acid in a non-repeat region; Not observed at significant frequency in large population cohorts (gnomAD); Has not been previously published as pathogenic or benign to our knowledge

NM_000719.7(CACNA1C):c.3708_3710dup (p.Ala1237_Met1238insAla)

Gene: CACNA1C (calcium voltage-gated channel subunit alpha1 C; plus strand). Cytogenetic location: 12p13.33.
Variant type: Duplication.
Coding change: c.3708_3710dup on transcript NM_000719.7 (MANE Select); coding-DNA positions 3708 to 3710, 3 bases duplicated (GGC; older notation c.3708_3710dupGGC).
Protein change: p.Ala1237_Met1238insAla.
Molecular consequence: inframe insertion.
Genome position (GRCh38, 1-based): chr12:2,610,690-2,610,692, GGC duplicated. VCF-style (leftmost placement, unchanged base first): chr12-2610689-T-TGGC. GRCh37 (hg19) VCF-style: chr12-2719855-T-TGGC.
Other names: c.3768_3770dup, p.Ala1257_Met1258insAla (NM_001129827.2, NM_001129832.2, NM_199460.4); c.3708_3710dup, p.Ala1237_Met1238insAla (NM_001129829.2, NM_001129830.3, NM_001129831.2 and 15 more transcripts); c.3699_3701dup, p.Ala1234_Met1235insAla (NM_001129844.2).
Identifiers: ClinVar variation 4074447 (VCV004074447.1).